The following is an entry in ClinVar:

NM_001126108.2(SLC12A3):c.1A>G (p.Met1Val)

Gene: SLC12A3 (solute carrier family 12 member 3; plus strand). Cytogenetic location: 16q13.
Variant type: single nucleotide variant.
Coding change: c.1A>G on transcript NM_001126108.2 (MANE Select); coding-DNA position 1, A replaced by G.
Protein change: p.Met1Val; changes the start codon (methionine 1).
Molecular consequence: missense variant, initiator codon variant.
Genome position (GRCh38, 1-based): chr16:56,865,236, A>G. VCF-style: chr16-56865236-A-G. GRCh37 (hg19) VCF-style: chr16-56899148-A-G.
Other names: c.1A>G, p.Met1Val (NM_000339.3, NM_001126107.2); short protein forms M1V.
Identifiers: ClinVar variation 1684155 (VCV001684155.2), dbSNP rs1319085522, ClinGen allele CA395975940.

ClinVar aggregate classification (germline): Pathogenic (1 of 4 stars; one submission).

Conditions:
Familial hypokalemia-hypomagnesemia (GTLMNS). Also called: gitelman syndrome; HYPOMAGNESEMIA-HYPOKALEMIA, PRIMARY RENOTUBULAR, WITH HYPOCALCIURIA; POTASSIUM AND MAGNESIUM DEPLETION. Identifiers: Orphanet 358, MedGen C0268450, MONDO:0009904, OMIM 263800.

Allele frequency attached by ClinVar (database versions not stated): gnomAD exomes below 0.00001.

Submission:

European Hospital Georges Pompidou Genetics Department, Assistance Publique - Hôpitaux de Paris AP-HP
Classification: Pathogenic for Familial hypokalemia-hypomagnesemia. Last evaluated: 2022-04-27. Review status: criteria provided, single submitter. Criteria: ACMG Guidelines, 2015. Collection method: clinical testing. Allele origin: germline. Affected: yes.
Comment: ACMG criteria used: PVS1, PS1, PM1, PM2, PM5